The following is an entry in ClinVar:

ClinVar aggregate classification (germline): Likely benign (1 of 4 stars; one submission).

gnomAD v4.1: 10 of 1,574,050 alleles (0.00064%); highest among the groups gnomAD compares: Admixed American, 0.018%; no homozygotes.

Submission:

CeGaT Center for Human Genetics Tuebingen
Classification: Likely benign. Last evaluated: 2026-08-01. Review status: criteria provided, single submitter. Criteria: CeGaT Center For Human Genetics Tuebingen Variant Classification Criteria Version 2. Collection method: clinical testing. Allele origin: germline. Affected: yes. Observed: 1 variant allele.
Comment: EMC10: BP4, BP7

NM_206538.4(EMC10):c.48G>T (p.Leu16=)

Genes: EMC10 (ER membrane protein complex subunit 10; plus strand), GARIN5A (golgi associated RAB2 interactor 5A; minus strand). Cytogenetic location: 19q13.33.
Variant type: single nucleotide variant.
Coding change: c.48G>T on transcript NM_206538.4 (MANE Select); coding-DNA position 48, G replaced by T.
Protein change: p.Leu16=; no amino-acid change (leucine 16 retained).
Molecular consequence: synonymous variant. On other transcripts: 5 prime UTR variant (2).
Genome position (GRCh38, 1-based): chr19:50,476,592, G>T. VCF-style: chr19-50476592-G-T. GRCh37 (hg19) VCF-style: chr19-50979849-G-T.
Other names: c.-204C>A (NM_001308429.2, NM_138411.3); c.48G>T, p.Leu16= (NM_175063.6).
Identifiers: ClinVar variation 5040187 (VCV005040187.1).